The following is an entry in ClinVar:

ClinVar aggregate classification (germline): Uncertain significance (1 of 4 stars; one submission).

Conditions:
Kleefstra syndrome 1 (KLEFS1). Identifiers: Orphanet 261494, MedGen C0795833, MONDO:0027407, OMIM 610253.

Submission:

Labcorp Genetics (formerly Invitae), Labcorp
Classification: Uncertain significance for Kleefstra syndrome 1. Last evaluated: 2022-09-07. Review status: criteria provided, single submitter. Criteria: Invitae Variant Classification Sherloc (09022015). Collection method: clinical testing. Allele origin: germline.
Comment: In summary, the available evidence is currently insufficient to determine the role of this variant in disease. Therefore, it has been classified as a Variant of Uncertain Significance. Algorithms developed to predict the effect of missense changes on protein structure and function are either unavailable or do not agree on the potential impact of this missense change (SIFT: "Deleterious"; PolyPhen-2: "Probably Damaging"; Align-GVGD: "Class C0"). This variant has not been reported in the literature in individuals affected with EHMT1-related conditions. This variant is not present in population databases (gnomAD no frequency). This sequence change replaces isoleucine, which is neutral and non-polar, with threonine, which is neutral and polar, at codon 762 of the EHMT1 protein (p.Ile762Thr).

NM_024757.5(EHMT1):c.2285T>C (p.Ile762Thr)

Gene: EHMT1 (euchromatic histone lysine methyltransferase 1; plus strand). Cytogenetic location: 9q34.3.
Variant type: single nucleotide variant.
Coding change: c.2285T>C on transcript NM_024757.5 (MANE Select); coding-DNA position 2285, T replaced by C.
Protein change: p.Ile762Thr; replaces isoleucine 762 with threonine.
Molecular consequence: missense variant.
Genome position (GRCh38, 1-based): chr9:137,782,300, T>C. VCF-style: chr9-137782300-T-C. GRCh37 (hg19) VCF-style: chr9-140676752-T-C.
Other names: c.2285T>C, p.Ile762Thr (NM_001145527.2); c.2192T>C, p.Ile731Thr (NM_001354259.2); c.2264T>C, p.Ile755Thr (NM_001354263.2); short protein forms I731T, I755T, I762T.
Identifiers: ClinVar variation 1719002 (VCV001719002.6), dbSNP rs2542531580, ClinGen allele CA375782413.